The following is an entry in ClinVar:

ClinVar aggregate classification (germline): Uncertain significance (1 of 4 stars; one submission).

Conditions:
CFAP418-related disorder. Also called: CFAP418-related condition.

Submission:

PreventionGenetics, part of Exact Sciences
Classification: Uncertain significance for CFAP418-related condition. Last evaluated: 2026-06-22. Review status: criteria provided, single submitter. Criteria: ACMG Guidelines, 2015. Collection method: clinical testing. Allele origin: germline.
Comment: The CFAP418 c.19G>A variant is predicted to result in the amino acid substitution p.Glu7Lys. To our knowledge, this variant has not been reported in the literature or in a large population database (gnomAD), indicating this variant is rare. At this time, the clinical significance of this variant is uncertain due to the absence of conclusive functional and genetic evidence.

NM_177965.4(CFAP418):c.19G>A (p.Glu7Lys)

Genes: CFAP418 (cilia and flagella associated protein 418; minus strand), CFAP418-AS1 (CFAP418 antisense RNA 1; plus strand), LOC130000784 (ATAC-STARR-seq lymphoblastoid active region 27655; plus strand). Cytogenetic location: 8q22.1.
Variant type: single nucleotide variant.
Coding change: c.19G>A on transcript NM_177965.4 (MANE Select); coding-DNA position 19, G replaced by A.
Protein change: p.Glu7Lys; replaces glutamic acid 7 with lysine.
Molecular consequence: missense variant.
Genome position (GRCh38, 1-based): chr8:95,269,171, C>T on the plus strand (G>A on the coding strand, the complement: CFAP418 is on the minus strand). VCF-style: chr8-95269171-C-T. GRCh37 (hg19) VCF-style: chr8-96281399-C-T.
Other names: c.19G>A, p.Glu7Lys (NM_001363260.1); short protein forms E7K.
Identifiers: ClinVar variation 4982515 (VCV004982515.1).